The following is an entry in ClinVar:

ClinVar aggregate classification (germline): Benign (1 of 4 stars; one submission).

Allele frequency attached by ClinVar (database versions not stated): 1000 Genomes Project 30x 0.58229; gnomAD 0.51167; TOPMed 0.51291; 1000 Genomes Project 0.58267.
gnomAD v4.1: 76,586 of 151,746 alleles (50%); highest among the groups gnomAD compares: East Asian, 75%; 21,027 homozygotes.

Submission:

GeneDx
Classification: Benign. Last evaluated: 2018-06-19. Review status: criteria provided, single submitter. Criteria: GeneDx Variant Classification (06012015). Collection method: clinical testing. Allele origin: germline. Affected: yes.
Comment: This variant is considered likely benign or benign based on one or more of the following criteria: it is a conservative change, it occurs at a poorly conserved position in the protein, it is predicted to be benign by multiple in silico algorithms, and/or has population frequency not consistent with disease.

NM_182961.4(SYNE1):c.8487+282C>A

Gene: SYNE1 (spectrin repeat containing nuclear envelope protein 1; minus strand). Cytogenetic location: 6q25.2.
Variant type: single nucleotide variant.
Coding change: c.8487+282C>A on transcript NM_182961.4 (MANE Select); 282 bases into the intron after coding-DNA position 8487, C replaced by A.
Molecular consequence: intron variant.
Genome position (GRCh38, 1-based): chr6:152,386,790, G>T on the plus strand (C>A on the coding strand, the complement: SYNE1 is on the minus strand). VCF-style: chr6-152386790-G-T. GRCh37 (hg19) VCF-style: chr6-152707925-G-T.
Other names: c.8508+282C>A (NM_033071.5).
Identifiers: ClinVar variation 683929 (VCV000683929.1), dbSNP rs214949, ClinGen allele CA12213432.
Genomic context (GRCh38, chr6:152,386,790, plus strand): 5'-AAATATAAGTGTAGCAAAAGAAAAACAACTTTAACGGCGACATTTGATGTGCAAAGTAGA[G>T]AGATTAACTAAAAAAGCGGAGAAAGAGAAAAATAAGCAATAAAGAATAATCCCAAGATTG-3'